The following is an entry in ClinVar:

NM_153603.4(COG7):c.*47C>T

Gene: COG7 (component of oligomeric golgi complex 7; minus strand). Cytogenetic location: 16p12.2.
Variant type: single nucleotide variant.
Coding change: c.*47C>T on transcript NM_153603.4 (MANE Select); 47 bases downstream of the stop codon, C replaced by T.
Molecular consequence: 3 prime UTR variant.
Genome position (GRCh38, 1-based): chr16:23,388,873, G>A on the plus strand (C>T on the coding strand, the complement: COG7 is on the minus strand). VCF-style: chr16-23388873-G-A. GRCh37 (hg19) VCF-style: chr16-23400194-G-A.
Identifiers: ClinVar variation 318459 (VCV000318459.9), dbSNP rs250587, ClinGen allele CA7960692.

ClinVar aggregate classification (germline): Benign. Review status: criteria provided, multiple submitters, no conflicts (2 of 4 stars). 3 submissions from 3 submitters: Benign (3). Last evaluated 2018-06-29.

Conditions:
COG7 congenital disorder of glycosylation (CDG2E). Also called: CONGENITAL DISORDER OF GLYCOSYLATION, TYPE IIe; CDG IIe. Identifiers: Orphanet 79333, MedGen C2931010, MONDO:0012118, OMIM 608779.

Allele frequency attached by ClinVar (database versions not stated): gnomAD exomes 0.20022; ExAC 0.20297; ESP Exome Variant Server 0.20540; TOPMed 0.20702; gnomAD 0.21141 and 0.21224; 1000 Genomes Project 30x 0.24266; 1000 Genomes Project 0.24361.
gnomAD v4.1: 297,736 of 1,611,738 alleles (18%); highest among the groups gnomAD compares: East Asian, 30%; 28,985 homozygotes.

Submissions (3):

GeneDx
Classification: Benign. Last evaluated: 2018-06-29. Review status: criteria provided, single submitter. Criteria: GeneDx Variant Classification Process June 2021. Collection method: clinical testing. Allele origin: germline. Affected: yes.

Illumina Laboratory Services, Illumina
Classification: Benign for COG7 congenital disorder of glycosylation. Last evaluated: 2018-01-13. Review status: criteria provided, single submitter. Criteria: ICSL Variant Classification Criteria 13 December 2019. Collection method: clinical testing. Allele origin: germline.
Comment: This variant was observed in the ICSL laboratory as part of a predisposition screen in an ostensibly healthy population. It had not been previously curated by ICSL or reported in the Human Gene Mutation Database (HGMD: prior to June 1st, 2018), and was therefore a candidate for classification through an automated scoring system. Utilizing variant allele frequency, disease prevalence and penetrance estimates, and inheritance mode, an automated score was calculated to assess if this variant is too frequent to cause the disease. Based on the score and internal cut-off values, a variant classified as benign is not then subjected to further curation. The score for this variant resulted in a classification of benign for this disease.

Breakthrough Genomics
Classification: Benign. Review status: criteria provided, single submitter. Criteria: ACMG Guidelines, 2015. Collection method: not provided. Allele origin: germline. Inheritance: Autosomal recessive inheritance. Affected: yes.